The following is an entry in ClinVar:

ClinVar aggregate classification (germline): Likely benign. Review status: criteria provided, single submitter (1 of 4 stars). 2 submissions from 2 submitters: Likely benign (1). 1 of the submissions does not count toward it. Last evaluated 2024-11-01.

Conditions:
MYT1-related disorder. Also called: MYT1-related condition.

Allele frequency attached by ClinVar (database versions not stated): gnomAD exomes 0.00002; ExAC 0.00004; TOPMed 0.00013; 1000 Genomes Project 30x 0.00016; gnomAD 0.00017; 1000 Genomes Project 0.00020.
gnomAD v4.1: 74 of 1,614,136 alleles (0.0046%); highest among the groups gnomAD compares: African/African-American, 0.071%; 2 homozygotes.

Submissions (2):

Blueprint Genetics
Classification: Likely benign. Last evaluated: 2024-11-01. Review status: criteria provided, single submitter. Criteria: ACMG Guidelines, 2015. Collection method: clinical testing. Allele origin: germline.

PreventionGenetics, part of Exact Sciences
Classification: Likely benign for MYT1-related condition. Last evaluated: 2019-05-02. Review status: no assertion criteria provided. Collection method: clinical testing. Allele origin: germline. Not counted in ClinVar's aggregate classification.
Comment: This variant is classified as likely benign based on ACMG/AMP sequence variant interpretation guidelines (Richards et al. 2015 PMID: 25741868, with internal and published modifications).

NM_004535.3(MYT1):c.216C>T (p.Ser72=)

Gene: MYT1 (myelin transcription factor 1; plus strand). Cytogenetic location: 20q13.33.
Variant type: single nucleotide variant.
Coding change: c.216C>T on transcript NM_004535.3 (MANE Select); coding-DNA position 216, C replaced by T.
Protein change: p.Ser72=; no amino-acid change (serine 72 retained).
Molecular consequence: synonymous variant.
Genome position (GRCh38, 1-based): chr20:64,205,619, C>T. VCF-style: chr20-64205619-C-T. GRCh37 (hg19) VCF-style: chr20-62836972-C-T.
Identifiers: ClinVar variation 3047214 (VCV003047214.3), dbSNP rs112888597, ClinGen allele CA9974517.
Genomic context (GRCh38, chr20:64,205,619, plus strand): 5'-GAGCTGCCCCCTGGCCAAGAAGAGGAAGCTGGAGGGCGCTGAGGCTGAGCACCTGGTGTC[C>T]AAGAGGAAGTCACACCCCCTGAAGCTGGCTCTGGACGAGGGCTATGGTGTGGACAGCGAC-3'
Protein context (NP_004526.1, residues 62-82): LEGAEAEHLV[Ser72=]KRKSHPLKLA